The following is an entry in ClinVar:

ClinVar aggregate classification (germline): Uncertain significance (1 of 4 stars; one submission).

Conditions:
KRT1-related disorder. Also called: KRT1-related condition.

Submission:

PreventionGenetics, part of Exact Sciences
Classification: Uncertain significance for KRT1-related condition. Last evaluated: 2025-02-03. Review status: criteria provided, single submitter. Criteria: ACMG Guidelines, 2015. Collection method: clinical testing. Allele origin: germline.
Comment: The KRT1 c.1742G>A variant is predicted to result in the amino acid substitution p.Gly581Glu. To our knowledge, this variant has not been reported in the literature or in a large population database (gnomAD), indicating this variant is rare. At this time, the clinical significance of this variant is uncertain due to the absence of conclusive functional and genetic evidence.

NM_006121.4(KRT1):c.1742G>A (p.Gly581Glu)

Gene: KRT1 (keratin 1; minus strand). Cytogenetic location: 12q13.13.
Variant type: single nucleotide variant.
Coding change: c.1742G>A on transcript NM_006121.4 (MANE Select); coding-DNA position 1742, G replaced by A.
Protein change: p.Gly581Glu; replaces glycine 581 with glutamic acid.
Molecular consequence: missense variant.
Genome position (GRCh38, 1-based): chr12:52,675,386, C>T on the plus strand (G>A on the coding strand, the complement: KRT1 is on the minus strand). VCF-style: chr12-52675386-C-T. GRCh37 (hg19) VCF-style: chr12-53069170-C-T.
Other names: short protein forms G581E.
Identifiers: ClinVar variation 5000860 (VCV005000860.1).